The following is an entry in ClinVar:

ClinVar aggregate classification (germline): Uncertain significance (1 of 4 stars; one submission).

Conditions:
CSMD3-related disorder. Also called: CSMD3-related condition.

Submission:

PreventionGenetics, part of Exact Sciences
Classification: Uncertain significance for CSMD3-related condition. Last evaluated: 2025-04-03. Review status: criteria provided, single submitter. Criteria: ACMG Guidelines, 2015. Collection method: clinical testing. Allele origin: germline.
Comment: The CSMD3 c.2475_2478delTTAC variant is predicted to result in a frameshift and premature protein termination (p.Tyr826Thrfs*26). To our knowledge, this variant has not been reported in the literature or in a large population database (gnomAD), indicating this variant is rare. At this time, loss-of-function variants are not a well-established cause of disease and therefore the clinical significance of this variant is uncertain.

NM_198123.2(CSMD3):c.2475_2478del (p.Tyr826fs)

Gene: CSMD3 (CUB and Sushi multiple domains 3; minus strand). Cytogenetic location: 8q23.3.
Variant type: Deletion.
Coding change: c.2475_2478del on transcript NM_198123.2 (MANE Select); coding-DNA positions 2475 to 2478, 4 bases deleted (TTAC; older notation c.2475_2478delTTAC).
Protein change: p.Tyr826fs; shifts the reading frame from tyrosine 826.
Molecular consequence: frameshift variant.
Genome position (GRCh38, 1-based): chr8:112,685,410-112,685,413, GTAA deleted on the plus strand (TTAC on the coding strand, the reverse complement: CSMD3 is on the minus strand); deleting any 4 consecutive bases within chr8:112,685,410-112,685,415 gives the same sequence; the c. name uses the placement nearest the transcript's 3' end. VCF-style (leftmost placement, unchanged base first): chr8-112685409-TGTAA-T. GRCh37 (hg19) VCF-style: chr8-113697638-TGTAA-T.
Other names: c.2085_2088del, p.Tyr696fs (NM_001363185.1); c.2163_2166del, p.Tyr722fs (NM_052900.3); c.2355_2358del, p.Tyr786fs (NM_198124.2); short protein forms Y722fs, Y786fs, Y826fs, Y696fs.
Identifiers: ClinVar variation 4999910 (VCV004999910.1).